The following is an entry in ClinVar:

ClinVar aggregate classification (germline): Pathogenic. Review status: reviewed by expert panel (3 of 4 stars). 9 submissions from 9 submitters: Pathogenic (1). 8 of the submissions do not count toward it. Last evaluated 2023-12-22.

Conditions:
RPE65-related recessive retinopathy. Also called: Recessive RPE65 retinopathy. Identifiers: MedGen CN305526, MONDO:0100368.
Leber congenital amaurosis 2 (LCA2). Also called: AMAUROSIS CONGENITA OF LEBER II; Autosomal Recessive RPE65-Related Retinal Degeneration. Identifiers: Orphanet 65, MedGen C1859844, MONDO:0008765, OMIM 204100. Disease mechanism: loss of function.
Retinitis pigmentosa 20 (RP20). Identifiers: Orphanet 791, MedGen C3151086, MONDO:0013425, OMIM 613794.
Retinitis pigmentosa 87 with choroidal involvement. Identifiers: MedGen C5231465, MONDO:0032873, OMIM 618697.
RPE65-related disorder. Also called: RPE65-related disorders; RPE65-related condition. Identifiers: MedGen CN239301.
Leber congenital amaurosis (LCA). Also called: Leber's amaurosis. Identifiers: Orphanet 65, MedGen C0339527, MeSH D057130, MONDO:0018998.

Allele frequency attached by ClinVar (database versions not stated): gnomAD exomes 0.00001 and 0.00002; ExAC 0.00002; gnomAD 0.00008 and 0.00009; TOPMed 0.00009.
gnomAD v4.1: 15 of 1,613,836 alleles (0.00093%); highest among the groups gnomAD compares: African/African-American, 0.02%; no homozygotes.

Submissions (9):

ClinGen Leber Congenital Amaurosis/early Onset Retinal Dystrophy Variant Curation Expert Panel, ClinGen
Classification: Pathogenic for RPE65-related recessive retinopathy. Last evaluated: 2023-12-22. Review status: reviewed by expert panel. Criteria: ClinGen LCAeoRD ACMG Specifications RPE65 V1.0.0. Collection method: curation. Allele origin: germline. Inheritance: Autosomal recessive inheritance.
Comment: This is a nonsense variant that introduces a premature stop codon into exon 11 of 14, and is predicted to lead to nonsense-mediated decay in a gene in which loss-of-function is an established mechanism of disease (PVS1). At least one patient was analyzed on a 100+ retinal dystrophy gene panel testing that did not provide an alternative explanation for visual impairment (2 pts), displayed non-detectable ERG responses from rods (0.5 pts) and cones (1 pt), visual acuity 20/400 (1 pt), visual field of central island only (1 pt), nystagmus (1 pt), nyctalopia (0.5 pts), and no pigment in peripheral retina (0.5 pts), which together are specific for RPE65 retinopathy (7.5 pts total, PMID: 23847139, PP4). This variant has also been reported in at least 8 probands, one of whom exhibited LCA and was compound heterozygous with the p.Leu341Ser suspected in trans, which was previously classified pathogenic by the ClinGen LCA / eoRD VCEP (0.5 total points, PMID: 23847139, PM3_Supporting). This variant is present in gnomAD v.2.1.1 at a GrpMax allele frequency of 0.00008316, with 9 alleles / 24960 total alleles in the African / African-American population, which is lower than the ClinGen LCA / eoRD VCEP PM2_Supporting threshold of <0.0002 (PM2_Supporting). In summary, this variant meets the criteria to be classified as Pathogenic for RPE65-related recessive retinopathy based on the ACMG/AMP criteria applied, as specified by the ClinGen LCA/eoRD VCEP: PVS1, PP4_Moderate, PM3_Supporting, and PM2_Supporting. (VCEP specifications version 1.0.0; date of approval 09/23/2023).

Natera, Inc.
Classification: Pathogenic for Leber congenital amaurosis. Last evaluated: 2025-08-05. Review status: criteria provided, single submitter. Criteria: Natera Variant Classification Schema (03/2026). Collection method: clinical testing. Allele origin: germline. Not counted in ClinVar's aggregate classification.
Comment: The c.1205G>A variant in RPE65 is a nonsense variant predicted to introduce a stop codon at amino acid 402. This variant is expected to result in nonsense mediated decay, truncation, or a dysfunctional protein product. This variant is rare in the general population with a frequency below the threshold expected for the associated phenotype(s). This variant has been observed in one or more individuals affected with the associated recessive disease, as either homozygous or compound heterozygous with a second variant (PMID: 27102010, 35672425, 34492281, 32865313). Given the available evidence, this variant is classified as Pathogenic.

Labcorp Genetics (formerly Invitae), Labcorp
Classification: Pathogenic for Leber congenital amaurosis 2; Retinitis pigmentosa 20. Last evaluated: 2024-11-05. Review status: criteria provided, single submitter. Criteria: Invitae Variant Classification Sherloc (09022015). Collection method: clinical testing. Allele origin: germline. Not counted in ClinVar's aggregate classification.
Comment: This sequence change creates a premature translational stop signal (p.Trp402*) in the RPE65 gene. It is expected to result in an absent or disrupted protein product. Loss-of-function variants in RPE65 are known to be pathogenic (PMID: 9326941, 9501220, 9843205, 18632300). This variant is present in population databases (rs774130993, gnomAD 0.04%). This premature translational stop signal has been observed in individual(s) with Leber congenital amaurosis (PMID: 17964524). ClinVar contains an entry for this variant (Variation ID: 660359). For these reasons, this variant has been classified as Pathogenic.

Fulgent Genetics
Classification: Pathogenic for Leber congenital amaurosis 2; Retinitis pigmentosa 20; Retinitis pigmentosa 87 with choroidal involvement. Last evaluated: 2024-05-30. Review status: criteria provided, single submitter. Criteria: ACMG Guidelines, 2015. Collection method: clinical testing. Allele origin: germline. Not counted in ClinVar's aggregate classification.

Baylor Genetics
Classification: Pathogenic for Leber congenital amaurosis 2. Last evaluated: 2024-01-25. Review status: criteria provided, single submitter. Criteria: ACMG Guidelines, 2015. Collection method: clinical testing. Allele origin: unknown. Not counted in ClinVar's aggregate classification.

GeneDx
Classification: Pathogenic. Last evaluated: 2023-08-09. Review status: criteria provided, single submitter. Criteria: GeneDx Variant Classification Process June 2021. Collection method: clinical testing. Allele origin: germline. Affected: yes. Not counted in ClinVar's aggregate classification.
Comment: Nonsense variant predicted to result in protein truncation or nonsense mediated decay in a gene for which loss-of-function is a known mechanism of disease; This variant is associated with the following publications: (PMID: 23847139, 37521805, 25525159, 17964524, 32865313, 34492281, 31925606)

Blueprint Genetics
Classification: Pathogenic for RPE65-related disorders. Last evaluated: 2022-10-30. Review status: criteria provided, single submitter. Criteria: ACMG Guidelines, 2015. Collection method: clinical testing. Allele origin: germline. Affected: yes. Observed: 2 variant alleles. Not counted in ClinVar's aggregate classification.

SIB Swiss Institute of Bioinformatics
Classification: Likely pathogenic for Leber congenital amaurosis 2. Last evaluated: 2020-02-14. Review status: criteria provided, single submitter. Criteria: ACMG Guidelines, 2015. Collection method: curation. Allele origin: unknown. Not counted in ClinVar's aggregate classification.
Comment: This variant is interpreted as likely pathogenic for Leber congenital amaurosis 2, autosomal recessive. The following ACMG Tag(s) were applied: PM2, PVS1-Strong.

Laboratory of Genetics in Ophthalmology, Institut Imagine
Classification: Pathogenic for Leber congenital amaurosis 2. Review status: no assertion criteria provided. Collection method: research. Allele origin: inherited. Affected: yes. Observed: 1 variant allele. Not counted in ClinVar's aggregate classification.

Literature cited by the submitters: PubMed 27102010 (cited by Natera, Inc.); PubMed 35672425 (cited by Natera, Inc.); PubMed 34492281 (cited by Natera, Inc.); PubMed 32865313 (cited by Natera, Inc.); PubMed 9326941 (cited by Labcorp Genetics (formerly Invitae), Labcorp); PubMed 9501220 (cited by Labcorp Genetics (formerly Invitae), Labcorp); PubMed 9843205 (cited by Labcorp Genetics (formerly Invitae), Labcorp); PubMed 18632300 (cited by Labcorp Genetics (formerly Invitae), Labcorp); PubMed 17964524 (cited by 3 submitters).

NM_000329.3(RPE65):c.1205G>A (p.Trp402Ter)

Gene: RPE65 (retinoid isomerohydrolase RPE65; minus strand). Cytogenetic location: 1p31.3.
Variant type: single nucleotide variant.
Coding change: c.1205G>A on transcript NM_000329.3 (MANE Select); coding-DNA position 1205, G replaced by A.
Protein change: p.Trp402Ter; replaces tryptophan 402 with a stop codon.
Molecular consequence: nonsense.
Genome position (GRCh38, 1-based): chr1:68,431,509, C>T on the plus strand (G>A on the coding strand, the complement: RPE65 is on the minus strand). VCF-style: chr1-68431509-C-T. GRCh37 (hg19) VCF-style: chr1-68897192-C-T.
Other names: NM_000329.3(RPE65):c.1205G>A; p.Trp402Ter; short protein forms W402*.
Identifiers: ClinVar variation 660359 (VCV000660359.23), dbSNP rs774130993, ClinGen allele CA902254.